The following is an entry in ClinVar:

ClinVar aggregate classification (germline): Uncertain significance (1 of 4 stars; one submission).

Conditions:
CHARGE syndrome (CHARGE). Also called: Hittner Hirsch Kreh syndrome; CHARGE ASSOCIATION--COLOBOMA, HEART ANOMALY, CHOANAL ATRESIA, RETARDATION, GENITAL AND EAR ANOMALIES; Coloboma, heart anomaly, choanal atresia, retardation, genital and ear anomalies; CHARGE association; Hall-Hittner syndrome. Identifiers: Orphanet 138, MedGen C0265354, MONDO:0008965.

Submission:

Labcorp Genetics (formerly Invitae), Labcorp
Classification: Uncertain significance for CHARGE syndrome. Last evaluated: 2025-02-06. Review status: criteria provided, single submitter. Criteria: Invitae Variant Classification Sherloc (09022015). Collection method: clinical testing. Allele origin: germline.
Comment: This sequence change replaces methionine, which is neutral and non-polar, with lysine, which is basic and polar, at codon 464 of the CHD7 protein (p.Met464Lys). This variant is not present in population databases (gnomAD no frequency). This variant has not been reported in the literature in individuals affected with CHD7-related conditions. Invitae Evidence Modeling of protein sequence and biophysical properties (such as structural, functional, and spatial information, amino acid conservation, physicochemical variation, residue mobility, and thermodynamic stability) indicates that this missense variant is not expected to disrupt CHD7 protein function with a negative predictive value of 95%. In summary, the available evidence is currently insufficient to determine the role of this variant in disease. Therefore, it has been classified as a Variant of Uncertain Significance.

NM_017780.4(CHD7):c.1391T>A (p.Met464Lys)

Gene: CHD7 (chromodomain helicase DNA binding protein 7; plus strand). Cytogenetic location: 8q12.2.
Variant type: single nucleotide variant.
Coding change: c.1391T>A on transcript NM_017780.4 (MANE Select); coding-DNA position 1391, T replaced by A.
Protein change: p.Met464Lys; replaces methionine 464 with lysine.
Molecular consequence: missense variant.
Genome position (GRCh38, 1-based): chr8:60,742,823, T>A. VCF-style: chr8-60742823-T-A. GRCh37 (hg19) VCF-style: chr8-61655382-T-A.
Other names: c.1391T>A, p.Met464Lys (NM_001316690.1); short protein forms M464K.
Identifiers: ClinVar variation 4802746 (VCV004802746.1).